The following is an entry in ClinVar:

ClinVar aggregate classification (germline): Benign/Likely benign. Review status: criteria provided, multiple submitters, no conflicts (2 of 4 stars). 5 submissions from 5 submitters: Benign (1); Likely benign (4). Last evaluated 2026-05-20.

Conditions:
Hereditary cancer-predisposing syndrome. Also called: Tumor predisposition; Hereditary Cancer Syndrome; Neoplastic Syndromes, Hereditary; Hereditary neoplastic syndrome. Identifiers: Orphanet 140162, MedGen C0027672, MeSH D009386, MONDO:0015356.
Cardiovascular phenotype. Identifiers: MedGen CN230736.
Neurofibromatosis, type 1 (NF1). Also called: Peripheral type neurofibromatosis; Neurofibromatosis, type I; VON RECKLINGHAUSEN DISEASE; NEUROFIBROMATOSIS, TYPE I, SOMATIC. Identifiers: Orphanet 636, MedGen C0027831, MONDO:0018975, OMIM 162200. Disease mechanism: loss of function.

Submissions (5):

Myriad Genetics, Inc.
Classification: Benign for Neurofibromatosis, type 1. Last evaluated: 2026-05-20. Review status: criteria provided, single submitter. Criteria: Myriad Autosomal Dominant, Autosomal Recessive and X-Linked Classification Criteria (2023). Collection method: clinical testing. Allele origin: unknown.
Comment: This variant is considered benign. This variant is a silent/synonymous amino acid change and it is not expected to impact splicing.

Labcorp Genetics (formerly Invitae), Labcorp
Classification: Likely benign for Neurofibromatosis, type 1. Last evaluated: 2025-09-16. Review status: criteria provided, single submitter. Criteria: Invitae Variant Classification Sherloc (09022015). Collection method: clinical testing. Allele origin: germline.

CeGaT Center for Human Genetics Tuebingen
Classification: Likely benign. Last evaluated: 2022-08-01. Review status: criteria provided, single submitter. Criteria: CeGaT Center For Human Genetics Tuebingen Variant Classification Criteria Version 2. Collection method: clinical testing. Allele origin: germline. Affected: yes. Observed: 1 variant allele.
Comment: NF1: PM2:Supporting, BP4, BP7

Genome-Nilou Lab
Classification: Likely benign for Neurofibromatosis, type 1. Last evaluated: 2022-03-15. Review status: criteria provided, single submitter. Criteria: ACMG Guidelines, 2015. Collection method: clinical testing. Allele origin: germline. Affected: no.

Ambry Genetics
Classification: Likely benign for Cardiovascular phenotype; Hereditary cancer-predisposing syndrome. Last evaluated: 2019-04-01. Review status: criteria provided, single submitter. Criteria: Ambry Variant Classification Scheme 2023. Collection method: clinical testing. Allele origin: germline.

NM_001042492.3(NF1):c.5397C>T (p.Phe1799=)

Gene: NF1 (neurofibromin 1; plus strand). Cytogenetic location: 17q11.2.
Variant type: single nucleotide variant.
Coding change: c.5397C>T on transcript NM_001042492.3 (MANE Select); coding-DNA position 5397, C replaced by T.
Protein change: p.Phe1799=; no amino-acid change (phenylalanine 1799 retained).
Molecular consequence: synonymous variant.
Genome position (GRCh38, 1-based): chr17:31,327,627, C>T. VCF-style: chr17-31327627-C-T. GRCh37 (hg19) VCF-style: chr17-29654645-C-T.
Other names: c.5334C>T, p.Phe1778= (NM_000267.4).
Identifiers: ClinVar variation 237574 (VCV000237574.40), dbSNP rs878853901, ClinGen allele CA10583511.